The following is an entry in ClinVar:

NM_172369.5(C1QC):c.205C>T (p.Arg69Ter)

Gene: C1QC (complement C1q C chain; plus strand). Cytogenetic location: 1p36.12.
Variant type: single nucleotide variant.
Coding change: c.205C>T on transcript NM_172369.5 (MANE Select); coding-DNA position 205, C replaced by T.
Protein change: p.Arg69Ter; replaces arginine 69 with a stop codon.
Molecular consequence: nonsense. On other transcripts: 5 prime UTR variant (1).
Genome position (GRCh38, 1-based): chr1:22,647,250, C>T. VCF-style: chr1-22647250-C-T. GRCh37 (hg19) VCF-style: chr1-22973743-C-T.
Other names: C1QC, ARG41TER; R41*; c.205C>T, p.Arg69Ter (NM_001114101.3, NM_001347619.2); c.-63C>T (NM_001347620.2); short protein forms R69*.
Identifiers: ClinVar variation 17070 (VCV000017070.10), dbSNP rs377549148, ClinGen allele CA677926.
Genomic context (GRCh38, chr1:22,647,250, plus strand): 5'-CACCCTATCACTTTCTCTCTGCCTTCTCCATCTCCAGGAATCCCAGCCATTCCCGGGATC[C>T]GAGGACCCAAAGGGCAGAAGGGAGAACCCGGCTTACCCGGCCATCCTGGGAAAAATGGCC-3'

ClinVar aggregate classification (germline): Pathogenic. Review status: criteria provided, single submitter (1 of 4 stars). 2 submissions from 2 submitters: Pathogenic (1). 1 of the submissions does not count toward it. Last evaluated 2022-06-22.

Conditions:
C1Q deficiency. Identifiers: MedGen C3150902, MONDO:0013343.

Allele frequency attached by ClinVar (database versions not stated): TOPMed below 0.00001; ExAC 0.00001; gnomAD 0.00001; gnomAD exomes below 0.00001 and 0.00001.

Submissions (2):

Labcorp Genetics (formerly Invitae), Labcorp
Classification: Pathogenic. Last evaluated: 2022-06-22. Review status: criteria provided, single submitter. Criteria: Invitae Variant Classification Sherloc (09022015). Collection method: clinical testing. Allele origin: germline.
Comment: This variant is also known as p.Arg41*. ClinVar contains an entry for this variant (Variation ID: 17070). This variant disrupts a region of the C1QC protein in which other variant(s) (p.Gly76Arg) have been observed in individuals with C1QC-related conditions (PMID: 20635792). This suggests that this is a clinically significant region of the protein, and that variants that disrupt it are likely to be disease-causing. For these reasons, this variant has been classified as Pathogenic. This sequence change creates a premature translational stop signal (p.Arg69*) in the C1QC gene. While this is not anticipated to result in nonsense mediated decay, it is expected to disrupt the last 177 amino acid(s) of the C1QC protein. This variant is present in population databases (rs377549148, gnomAD 0.005%). This premature translational stop signal has been observed in individuals with C1q deficiency (PMID: 8630118, 21654842).

OMIM
Classification: Pathogenic for C1Q DEFICIENCY. Last evaluated: 1996-04-01. Review status: no assertion criteria provided. Collection method: literature only. Allele origin: germline. Not counted in ClinVar's aggregate classification.

Literature cited by the submitters: PubMed 20635792 (cited by Labcorp Genetics (formerly Invitae), Labcorp); PubMed 8630118 (cited by Labcorp Genetics (formerly Invitae), Labcorp and OMIM); PubMed 21654842 (cited by Labcorp Genetics (formerly Invitae), Labcorp and OMIM).